The following is an entry in ClinVar:

NM_005654.6(NR2F1):c.565A>C (p.Ile189Leu)

Gene: NR2F1 (nuclear receptor subfamily 2 group F member 1; plus strand). Cytogenetic location: 5q15.
Variant type: single nucleotide variant.
Coding change: c.565A>C on transcript NM_005654.6 (MANE Select); coding-DNA position 565, A replaced by C.
Protein change: p.Ile189Leu; replaces isoleucine 189 with leucine.
Molecular consequence: missense variant.
Genome position (GRCh38, 1-based): chr5:93,588,018, A>C. VCF-style: chr5-93588018-A-C. GRCh37 (hg19) VCF-style: chr5-92923724-A-C.
Other names: c.115A>C, p.Ile39Leu (NM_001410754.1); short protein forms I189L, I39L.
Identifiers: ClinVar variation 3381237 (VCV003381237.2).

ClinVar aggregate classification (germline): Uncertain significance (1 of 4 stars; one submission).

Conditions:
Bosch-Boonstra-Schaaf optic atrophy syndrome (BBSOAS). Also called: NR2F1-Related Neurodevelopmental Disorder. Identifiers: Orphanet 401777, MedGen C3810363, MONDO:0014320, OMIM 615722.

Submission:

Servicio de Genética Del Instituto Nacional de Salud Del Niño, Ministerio de Salud
Classification: Uncertain significance for Bosch-Boonstra-Schaaf optic atrophy syndrome. Last evaluated: 2024-11-18. Review status: criteria provided, single submitter. Criteria: ACMG Guidelines, 2015. Collection method: clinical testing. Allele origin: germline. Inheritance: Autosomal dominant inheritance.
Comment: The variant NM_005654.6:c.565A>C, p.Ile189Leu results in the substitution of isoleucine with leucine at position 189 in the protein. Both isoleucine and leucine are non-polar, hydrophobic amino acids, so this substitution may not significantly alter the protein's overall structure or function. Based on ACMG/AMP guidelines, PP2 (in silico tools predict a damaging effect) and PM2 (absent in population databases), this variant is classified as uncertain significance.